The following is an entry in ClinVar:

NM_000540.3(RYR1):c.13490C>G (p.Pro4497Arg)

Gene: RYR1 (ryanodine receptor 1; plus strand). Cytogenetic location: 19q13.2.
Variant type: single nucleotide variant.
Coding change: c.13490C>G on transcript NM_000540.3 (MANE Select); coding-DNA position 13490, C replaced by G.
Protein change: p.Pro4497Arg; replaces proline 4497 with arginine.
Molecular consequence: missense variant.
Genome position (GRCh38, 1-based): chr19:38,566,963, C>G. VCF-style: chr19-38566963-C-G. GRCh37 (hg19) VCF-style: chr19-39057603-C-G.
Other names: c.13475C>G, p.Pro4492Arg (NM_001042723.2); short protein forms P4492R, P4497R.
Identifiers: ClinVar variation 3385598 (VCV003385598.1).

ClinVar aggregate classification (germline): Uncertain significance (1 of 4 stars; one submission).

Conditions:
Malignant hyperthermia, susceptibility to, 1 (MHS1). Also called: Anesthesia related hyperthermia; Malignant hyperpyrexia; Fulminating hyperpyrexia; Pharmacogenic myopathy; Malignant hyperthermia suceptibility 1; RYR1-Related Malignant Hyperthermia Susceptibility. Identifiers: Orphanet 423, MedGen C2930980, MONDO:0007783, OMIM 145600.

gnomAD v4.1: 3 of 1,603,842 alleles (0.00019%); highest among the groups gnomAD compares: Non-Finnish European, 0.00026%; no homozygotes.

Submission:

All of Us Research Program, National Institutes of Health
Classification: Uncertain significance for Malignant hyperthermia, susceptibility to, 1. Last evaluated: 2024-04-25. Review status: criteria provided, single submitter. Criteria: ACMG Guidelines, 2015. Collection method: clinical testing. Allele origin: germline. Inheritance: Autosomal dominant inheritance. Observed: 1 variant allele, 1 heterozygote.
Comment: This missense variant replaces proline with arginine at codon 4497 of the RYR1 protein. Computational prediction suggests that this variant may not impact protein structure and function. To our knowledge, functional studies have not been reported for this variant. This variant has not been reported in individuals affected with malignant hyperthermia susceptibility in the literature. This variant has been identified in 1/229402 chromosomes in the general population by the Genome Aggregation Database (gnomAD). The available evidence is insufficient to determine the role of this variant in disease conclusively. Therefore, this variant is classified as a Variant of Uncertain Significance.

This study involves interpretation of variants in research participants for the purpose of population health screening. Participant phenotype was not available at the time of variant classification. Additional details can be found in publication PMID: 35346344, PMCID: PMC8962531